The following is an entry in ClinVar:

ClinVar aggregate classification (germline): Uncertain significance (1 of 4 stars; one submission).

gnomAD v4.1: 1 of 1,614,166 alleles (0.000062%); highest among the groups gnomAD compares: Non-Finnish European, 0.000085%; no homozygotes.

Submission:

Labcorp Genetics (formerly Invitae), Labcorp
Classification: Uncertain significance. Last evaluated: 2025-12-03. Review status: criteria provided, single submitter. Criteria: Invitae Variant Classification Sherloc (09022015). Collection method: clinical testing. Allele origin: germline.
Comment: This sequence change replaces serine, which is neutral and polar, with tyrosine, which is neutral and polar, at codon 724 of the KIF23 protein (p.Ser724Tyr). This variant is not present in population databases (gnomAD no frequency). This variant has not been reported in the literature in individuals affected with KIF23-related conditions. An algorithm developed to predict the effect of missense changes on protein structure and function (PolyPhen-2) suggests that this variant is likely to be disruptive. In summary, the available evidence is currently insufficient to determine the role of this variant in disease. Therefore, it has been classified as a Variant of Uncertain Significance.

NM_001367805.3(KIF23):c.2213C>A (p.Ser738Tyr)

Gene: KIF23 (kinesin family member 23; plus strand). Cytogenetic location: 15q23.
Variant type: single nucleotide variant.
Coding change: c.2213C>A on transcript NM_001367805.3 (MANE Select); coding-DNA position 2213, C replaced by A.
Protein change: p.Ser738Tyr; replaces serine 738 with tyrosine.
Molecular consequence: missense variant. On other transcripts: non-coding transcript variant (1), intron variant (1).
Genome position (GRCh38, 1-based): chr15:69,440,871, C>A. VCF-style: chr15-69440871-C-A. GRCh37 (hg19) VCF-style: chr15-69733210-C-A.
Other names: c.1841C>A, p.Ser614Tyr (NM_001281301.2); c.2171C>A, p.Ser724Tyr (NM_001367804.2, NM_138555.4); c.2067+384C>A (NM_004856.7); short protein forms S724Y, S738Y, S614Y.
Identifiers: ClinVar variation 4732089 (VCV004732089.1).